The following is an entry in ClinVar:

ClinVar aggregate classification (germline): Benign. Review status: criteria provided, multiple submitters, no conflicts (2 of 4 stars). 2 submissions from 2 submitters: Benign (2). Last evaluated 2018-06-14.

Allele frequency attached by ClinVar (database versions not stated): TOPMed 0.62804; gnomAD 0.62830 and 0.63222; 1000 Genomes Project 30x 0.64631; 1000 Genomes Project 0.65695.
gnomAD v4.1: 96,236 of 152,074 alleles (63%); highest among the groups gnomAD compares: East Asian, 72%; 30,785 homozygotes.

Submissions (2):

GeneDx
Classification: Benign. Last evaluated: 2018-06-14. Review status: criteria provided, single submitter. Criteria: GeneDx Variant Classification (06012015). Collection method: clinical testing. Allele origin: germline. Affected: yes.
Comment: This variant is considered likely benign or benign based on one or more of the following criteria: it is a conservative change, it occurs at a poorly conserved position in the protein, it is predicted to be benign by multiple in silico algorithms, and/or has population frequency not consistent with disease.

Breakthrough Genomics
Classification: Benign. Review status: criteria provided, single submitter. Criteria: ACMG Guidelines, 2015. Collection method: not provided. Allele origin: germline. Inheritance: Autosomal recessive inheritance. Affected: yes.

NM_147127.5(EVC2):c.816+173C>T

Gene: EVC2 (EvC ciliary complex subunit 2; minus strand). Cytogenetic location: 4p16.2.
Variant type: single nucleotide variant.
Coding change: c.816+173C>T on transcript NM_147127.5 (MANE Select); 173 bases into the intron after coding-DNA position 816, C replaced by T.
Molecular consequence: intron variant.
Genome position (GRCh38, 1-based): chr4:5,685,197, G>A on the plus strand (C>T on the coding strand, the complement: EVC2 is on the minus strand). VCF-style: chr4-5685197-G-A. GRCh37 (hg19) VCF-style: chr4-5686924-G-A.
Other names: c.576+173C>T (NM_001166136.2).
Identifiers: ClinVar variation 669992 (VCV000669992.2), dbSNP rs957727, ClinGen allele CA11634185.
Genomic context (GRCh38, chr4:5,685,197, plus strand): 5'-CTCATGTGAGGCCCAGAGGGGTTAAGTAACTTAGGCAAAGTCACATGGGCATTACTAAGG[G>A]AGCCCAGTTCATGGCAAGGCGTGTGAGACTCCAGGGCCTATGCCCTTATCTGCTAGGTGG-3'